The following is an entry in ClinVar:

ClinVar aggregate classification (germline): Uncertain significance. Review status: criteria provided, multiple submitters, no conflicts (2 of 4 stars). 2 submissions from 2 submitters: Uncertain significance (2). Last evaluated 2022-11-09.

Conditions:
Inborn genetic diseases. Identifiers: MedGen C0950123, MeSH D030342.

Allele frequency attached by ClinVar (database versions not stated): gnomAD exomes 0.00001; ExAC 0.00002; gnomAD 0.00011; TOPMed 0.00014; ESP Exome Variant Server 0.00015.

Submissions (2):

Ambry Genetics
Classification: Uncertain significance for Inborn genetic diseases. Last evaluated: 2022-11-09. Review status: criteria provided, single submitter. Criteria: Ambry Variant Classification Scheme 2023. Collection method: clinical testing. Allele origin: germline.

Labcorp Genetics (formerly Invitae), Labcorp
Classification: Uncertain significance. Last evaluated: 2022-02-08. Review status: criteria provided, single submitter. Criteria: Invitae Variant Classification Sherloc (09022015). Collection method: clinical testing. Allele origin: germline.
Comment: This sequence change replaces aspartic acid, which is acidic and polar, with asparagine, which is neutral and polar, at codon 1508 of the MCM3AP protein (p.Asp1508Asn). This variant is present in population databases (rs142402249, gnomAD 0.05%). This variant has not been reported in the literature in individuals affected with MCM3AP-related conditions. Algorithms developed to predict the effect of missense changes on protein structure and function (SIFT, PolyPhen-2, Align-GVGD) all suggest that this variant is likely to be tolerated. In summary, the available evidence is currently insufficient to determine the role of this variant in disease. Therefore, it has been classified as a Variant of Uncertain Significance.

NM_003906.5(MCM3AP):c.4522G>A (p.Asp1508Asn)

Genes: MCM3AP (minichromosome maintenance complex component 3 associated protein; minus strand), MCM3AP-AS1 (MCM3AP antisense RNA 1; plus strand). Cytogenetic location: 21q22.3.
Variant type: single nucleotide variant.
Coding change: c.4522G>A on transcript NM_003906.5 (MANE Select); coding-DNA position 4522, G replaced by A.
Protein change: p.Asp1508Asn; replaces aspartic acid 1508 with asparagine.
Molecular consequence: missense variant.
Genome position (GRCh38, 1-based): chr21:46,246,655, C>T on the plus strand (G>A on the coding strand, the complement: MCM3AP is on the minus strand). VCF-style: chr21-46246655-C-T. GRCh37 (hg19) VCF-style: chr21-47666569-C-T.
Other names: short protein forms D1508N.
Identifiers: ClinVar variation 1910227 (VCV001910227.3), dbSNP rs142402249, ClinGen allele CA10076108.